The following is an entry in ClinVar:

ClinVar aggregate classification (germline): Uncertain significance. Review status: criteria provided, multiple submitters, no conflicts (2 of 4 stars). 4 submissions from 4 submitters: Uncertain significance (4). Last evaluated 2025-06-02.

Conditions:
RAD50-related disorder. Also called: RAD50-related condition.
Hereditary cancer-predisposing syndrome. Also called: Hereditary Cancer Syndrome; Neoplastic Syndromes, Hereditary; Tumor predisposition; Hereditary neoplastic syndrome. Identifiers: Orphanet 140162, MedGen C0027672, MeSH D009386, MONDO:0015356.

Allele frequency attached by ClinVar (database versions not stated): gnomAD exomes below 0.00001 and 0.00001; ExAC 0.00001; TOPMed 0.00002.
gnomAD v4.1: 3 of 1,613,520 alleles (0.00019%); highest among the groups gnomAD compares: African/African-American, 0.004%; no homozygotes.

Submissions (4):

Quest Diagnostics Nichols Institute San Juan Capistrano
Classification: Uncertain significance. Last evaluated: 2025-06-02. Review status: criteria provided, single submitter. Criteria: Quest Diagnostics criteria. Collection method: clinical testing. Allele origin: unknown.
Comment: The RAD50 c.2108C>A (p.Ser703Tyr) variant has not been reported in individuals with RAD50-related conditions in the published literature. The frequency of this variant in the general population (Genome Aggregation Database) is uninformative in the assessment of its pathogenicity. Analysis of this variant using bioinformatics tools for the prediction of the effect of amino acid changes on protein structure and function yielded predictions that this variant is damaging. Based on the available information, we are unable to determine the clinical significance of this variant.

Ambry Genetics
Classification: Uncertain significance for Hereditary cancer-predisposing syndrome. Last evaluated: 2024-10-28. Review status: criteria provided, single submitter. Criteria: Ambry Variant Classification Scheme 2023. Collection method: clinical testing. Allele origin: germline.
Comment: The p.S703Y variant (also known as c.2108C>A), located in coding exon 13 of the RAD50 gene, results from a C to A substitution at nucleotide position 2108. The serine at codon 703 is replaced by tyrosine, an amino acid with dissimilar properties. This amino acid position is well conserved in available vertebrate species. In addition, the in silico prediction for this alteration is inconclusive. Since supporting evidence is limited at this time, the clinical significance of this alteration remains unclear.

Labcorp Genetics (formerly Invitae), Labcorp
Classification: Uncertain significance for Hereditary cancer-predisposing syndrome. Last evaluated: 2023-10-26. Review status: criteria provided, single submitter. Criteria: Invitae Variant Classification Sherloc (09022015). Collection method: clinical testing. Allele origin: germline.
Comment: This sequence change replaces serine, which is neutral and polar, with tyrosine, which is neutral and polar, at codon 703 of the RAD50 protein (p.Ser703Tyr). This variant is present in population databases (rs769143998, gnomAD 0.01%). This variant has not been reported in the literature in individuals affected with RAD50-related conditions. ClinVar contains an entry for this variant (Variation ID: 480392). Advanced modeling of protein sequence and biophysical properties (such as structural, functional, and spatial information, amino acid conservation, physicochemical variation, residue mobility, and thermodynamic stability) performed at Invitae indicates that this missense variant is expected to disrupt RAD50 protein function with a positive predictive value of 80%. In summary, the available evidence is currently insufficient to determine the role of this variant in disease. Therefore, it has been classified as a Variant of Uncertain Significance.

PreventionGenetics, part of Exact Sciences
Classification: Uncertain significance for RAD50-related condition. Last evaluated: 2023-04-03. Review status: criteria provided, single submitter. Criteria: ACMG Guidelines, 2015. Collection method: clinical testing. Allele origin: germline.
Comment: The RAD50 c.2108C>A variant is predicted to result in the amino acid substitution p.Ser703Tyr. This variant has been reported as a rare germline variant in an individual with cancer from the TCGA discovery cohort (Supplementary Data 12, Lu C et al. 2015. PubMed ID: 26689913). This variant is reported in 0.012% of alleles in individuals of African descent in gnomAD. At this time, the clinical significance of this variant is uncertain due to the absence of conclusive functional and genetic evidence.

NM_005732.4(RAD50):c.2108C>A (p.Ser703Tyr)

Gene: RAD50 (RAD50 double strand break repair protein; plus strand). Cytogenetic location: 5q31.1.
Variant type: single nucleotide variant.
Coding change: c.2108C>A on transcript NM_005732.4 (MANE Select); coding-DNA position 2108, C replaced by A.
Protein change: p.Ser703Tyr; replaces serine 703 with tyrosine.
Molecular consequence: missense variant.
Genome position (GRCh38, 1-based): chr5:132,595,711, C>A. VCF-style: chr5-132595711-C-A. GRCh37 (hg19) VCF-style: chr5-131931403-C-A.
Other names: short protein forms S703Y.
Identifiers: ClinVar variation 480392 (VCV000480392.16), dbSNP rs769143998, ClinGen allele CA3405329.